The following is an entry in ClinVar:

ClinVar aggregate classification (germline): Uncertain significance (1 of 4 stars; one submission).

Allele frequency attached by ClinVar (database versions not stated): ExAC 0.00003; gnomAD 0.00003; gnomAD exomes 0.00003; TOPMed 0.00003; ESP Exome Variant Server 0.00008.
gnomAD v4.1: 26 of 1,612,848 alleles (0.0016%); highest among the groups gnomAD compares: Middle Eastern, 0.016%; no homozygotes.

Submission:

Labcorp Genetics (formerly Invitae), Labcorp
Classification: Uncertain significance. Last evaluated: 2022-03-07. Review status: criteria provided, single submitter. Criteria: Invitae Variant Classification Sherloc (09022015). Collection method: clinical testing. Allele origin: germline.
Comment: This variant has not been reported in the literature in individuals affected with C6-related conditions. Variants that disrupt the consensus splice site are a relatively common cause of aberrant splicing (PMID: 17576681, 9536098). Algorithms developed to predict the effect of sequence changes on RNA splicing suggest that this variant is not likely to affect RNA splicing. In summary, the available evidence is currently insufficient to determine the role of this variant in disease. Therefore, it has been classified as a Variant of Uncertain Significance. This variant is present in population databases (rs372714333, gnomAD 0.01%). This sequence change falls in intron 8 of the C6 gene. It does not directly change the encoded amino acid sequence of the C6 protein. It affects a nucleotide within the consensus splice site.

Literature cited by the submitters: PubMed 17576681; PubMed 9536098.

NM_000065.5(C6):c.1168+5C>A

Gene: C6 (complement C6; minus strand). Cytogenetic location: 5p13.1.
Variant type: single nucleotide variant.
Coding change: c.1168+5C>A on transcript NM_000065.5 (MANE Select); 5 bases into the intron after coding-DNA position 1168, C replaced by A.
Molecular consequence: intron variant.
Genome position (GRCh38, 1-based): chr5:41,176,470, G>T on the plus strand (C>A on the coding strand, the complement: C6 is on the minus strand). VCF-style: chr5-41176470-G-T. GRCh37 (hg19) VCF-style: chr5-41176572-G-T.
Other names: c.1168+5C>A (NM_001115131.4).
Identifiers: ClinVar variation 1388854 (VCV001388854.5), dbSNP rs372714333, ClinGen allele CA3252562.